The following is an entry in ClinVar:

NM_000291.4(PGK1):c.1240C>G (p.Leu414Val)

Gene: PGK1 (phosphoglycerate kinase 1; plus strand). Cytogenetic location: Xq21.1.
Variant type: single nucleotide variant.
Coding change: c.1240C>G on transcript NM_000291.4 (MANE Select); coding-DNA position 1240, C replaced by G.
Protein change: p.Leu414Val; replaces leucine 414 with valine.
Molecular consequence: missense variant.
Genome position (GRCh38, 1-based): chrX:78,125,816, C>G. VCF-style: chrX-78125816-C-G. GRCh37 (hg19) VCF-style: chrX-77381313-C-G.
Other names: short protein forms L414V.
Identifiers: ClinVar variation 3766742 (VCV003766742.1).

ClinVar aggregate classification (germline): Uncertain significance (1 of 4 stars; one submission).

Conditions:
Glycogen storage disease due to phosphoglycerate kinase 1 deficiency. Also called: PGK1 DEFICIENCY; PHOSPHOGLYCERATE KINASE 1 DEFICIENCY WITH LEVO-DOPA-RESPONSIVE PARKINSONISM. Identifiers: Orphanet 713, MedGen C1970848, MONDO:0010392, OMIM 300653.

gnomAD v4.1: 2 of 1,201,266 alleles (0.00017%); highest among the groups gnomAD compares: Non-Finnish European, 0.00023%; no homozygotes.

Submission:

ARUP Laboratories, Molecular Genetics and Genomics, ARUP Laboratories
Classification: Uncertain significance for Glycogen storage disease due to phosphoglycerate kinase 1 deficiency. Last evaluated: 2024-07-24. Review status: criteria provided, single submitter. Criteria: ARUP Molecular Germline Variant Investigation Process 2024. Collection method: clinical testing. Allele origin: germline.
Comment: The PGK1 c.1240C>G; p.Leu414Val variant (rs782697926), to our knowledge, is not reported in the medical literature or gene specific databases. This variant is only observed on one allele in the Genome Aggregation Database (v2.1.1), indicating it is not a common polymorphism. Computational analyses predict that this variant is deleterious (REVEL: 0.868). Due to limited information, the clinical significance of this variant is uncertain at this time.